The following is an entry in ClinVar:

NM_213599.3(ANO5):c.138+166G>A

Gene: ANO5 (anoctamin 5; plus strand). Cytogenetic location: 11p14.3.
Variant type: single nucleotide variant.
Coding change: c.138+166G>A on transcript NM_213599.3 (MANE Select); 166 bases into the intron after coding-DNA position 138, G replaced by A.
Molecular consequence: intron variant.
Genome position (GRCh38, 1-based): chr11:22,211,480, G>A. VCF-style: chr11-22211480-G-A. GRCh37 (hg19) VCF-style: chr11-22233026-G-A.
Other names: NC_000011.9:g.22233026G>A; c.135+166G>A (NM_001142649.2).
Identifiers: ClinVar variation 677973 (VCV000677973.3), dbSNP rs77546698, ClinGen allele CA16412025.

ClinVar aggregate classification (germline): Benign. Review status: criteria provided, multiple submitters, no conflicts (2 of 4 stars). 2 submissions from 2 submitters: Benign (2). Last evaluated 2018-06-19.

Allele frequency attached by ClinVar (database versions not stated): 1000 Genomes Project 30x 0.05762; gnomAD 0.04766 and 0.05088; TOPMed 0.05504; 1000 Genomes Project 0.05451.
gnomAD v4.1: 7,177 of 151,878 alleles (4.7%); highest among the groups gnomAD compares: African/African-American, 16%; 560 homozygotes.

Submissions (4):

GeneDx
Classification: Benign. Last evaluated: 2018-06-19. Review status: criteria provided, single submitter. Criteria: GeneDx Variant Classification (06012015). Collection method: clinical testing. Allele origin: germline. Affected: yes.
Comment: This variant is considered likely benign or benign based on one or more of the following criteria: it is a conservative change, it occurs at a poorly conserved position in the protein, it is predicted to be benign by multiple in silico algorithms, and/or has population frequency not consistent with disease.

Breakthrough Genomics
Classification: Benign. Review status: criteria provided, single submitter. Criteria: ACMG Guidelines, 2015. Collection method: not provided. Allele origin: germline. Inheritance: Autosomal recessive inheritance. Affected: yes.

Dr. Peter K. Rogan Lab, Western University
No classification provided (evidence only). Condition: Uterine corpus endometrial carcinoma. Review status: no classification provided. Collection method: in vitro. Allele origin: not applicable. Functional consequence: retained intron. Not counted in ClinVar's aggregate classification.

Dr. Peter K. Rogan Lab, Western University
No classification provided (evidence only). Condition: Sarcoma. Review status: no classification provided. Collection method: in vitro. Allele origin: not applicable. Functional consequence: retained intron. Not counted in ClinVar's aggregate classification.